The following is an entry in ClinVar:

NM_006361.6(HOXB13):c.395G>C (p.Gly132Ala)

Gene: HOXB13 (homeobox B13; minus strand). Cytogenetic location: 17q21.32.
Variant type: single nucleotide variant.
Coding change: c.395G>C on transcript NM_006361.6 (MANE Select); coding-DNA position 395, G replaced by C.
Protein change: p.Gly132Ala; replaces glycine 132 with alanine.
Molecular consequence: missense variant.
Genome position (GRCh38, 1-based): chr17:48,728,199, C>G on the plus strand (G>C on the coding strand, the complement: HOXB13 is on the minus strand). VCF-style: chr17-48728199-C-G. GRCh37 (hg19) VCF-style: chr17-46805561-C-G.
Other names: short protein forms G132A.
Identifiers: ClinVar variation 1736509 (VCV001736509.2), dbSNP rs1286034091, ClinGen allele CA400107545.
Genomic context (GRCh38, chr17:48,728,199, plus strand): 5'-AGAGTCTGCACCACAGACACGTCCAGGTAACTGGCCATAGGCTGGTAGGTTCCCGGATAT[C>G]CCGGATAGAAGGCAAACTCAGTGGGGCGGCTGGGGTACTCTTCCCCGGCCGTGGGAGTCT-3'
Protein context (NP_006352.2, residues 122-142): SRPTEFAFYP[Gly132Ala]YPGTYQPMAS

ClinVar aggregate classification (germline): Uncertain significance (1 of 4 stars; one submission).

Conditions:
Hereditary cancer-predisposing syndrome. Also called: Neoplastic Syndromes, Hereditary; Tumor predisposition; Hereditary Cancer Syndrome; Hereditary neoplastic syndrome. Identifiers: Orphanet 140162, MedGen C0027672, MeSH D009386, MONDO:0015356.

Submission:

Ambry Genetics
Classification: Uncertain significance for Hereditary cancer-predisposing syndrome. Last evaluated: 2021-11-05. Review status: criteria provided, single submitter. Criteria: Ambry Variant Classification Scheme 2023. Collection method: clinical testing. Allele origin: germline.
Comment: The p.G132A variant (also known as c.395G>C), located in coding exon 1 of the HOXB13 gene, results from a G to C substitution at nucleotide position 395. The glycine at codon 132 is replaced by alanine, an amino acid with similar properties. This amino acid position is conserved. In addition, the in silico prediction for this alteration is inconclusive. Since supporting evidence is limited at this time, the clinical significance of this alteration remains unclear.